The following is an entry in ClinVar:

ClinVar aggregate classification (germline): Uncertain significance. Review status: criteria provided, multiple submitters, no conflicts (2 of 4 stars). 2 submissions from 2 submitters: Uncertain significance (2). Last evaluated 2025-01-05.

Conditions:
Hereditary cancer-predisposing syndrome. Also called: Hereditary Cancer Syndrome; Hereditary neoplastic syndrome; Neoplastic Syndromes, Hereditary; Tumor predisposition. Identifiers: Orphanet 140162, MedGen C0027672, MeSH D009386, MONDO:0015356.
Birt-Hogg-Dube syndrome. Also called: Birt Hogg Dubé syndrome. Identifiers: Orphanet 122, MedGen C0346010, MONDO:0800444.

Submissions (2):

Ambry Genetics
Classification: Uncertain significance for Hereditary cancer-predisposing syndrome. Last evaluated: 2025-01-05. Review status: criteria provided, single submitter. Criteria: Ambry Variant Classification Scheme 2023. Collection method: clinical testing. Allele origin: germline.
Comment: The p.A89G variant (also known as c.266C>G), located in coding exon 2 of the FLCN gene, results from a C to G substitution at nucleotide position 266. The alanine at codon 89 is replaced by glycine, an amino acid with similar properties. This amino acid position is conserved. In addition, the in silico prediction for this alteration is inconclusive. Based on the available evidence, the clinical significance of this variant remains unclear.

Labcorp Genetics (formerly Invitae), Labcorp
Classification: Uncertain significance for Birt-Hogg-Dube syndrome. Last evaluated: 2023-02-23. Review status: criteria provided, single submitter. Criteria: Invitae Variant Classification Sherloc (09022015). Collection method: clinical testing. Allele origin: germline.
Comment: In summary, the available evidence is currently insufficient to determine the role of this variant in disease. Therefore, it has been classified as a Variant of Uncertain Significance. Advanced modeling of protein sequence and biophysical properties (such as structural, functional, and spatial information, amino acid conservation, physicochemical variation, residue mobility, and thermodynamic stability) performed at Invitae indicates that this missense variant is not expected to disrupt FLCN protein function. This variant has not been reported in the literature in individuals affected with FLCN-related conditions. This variant is not present in population databases (gnomAD no frequency). This sequence change replaces alanine, which is neutral and non-polar, with glycine, which is neutral and non-polar, at codon 89 of the FLCN protein (p.Ala89Gly).

NM_144997.7(FLCN):c.266C>G (p.Ala89Gly)

Gene: FLCN (folliculin; minus strand). Cytogenetic location: 17p11.2.
Variant type: single nucleotide variant.
Coding change: c.266C>G on transcript NM_144997.7 (MANE Select); coding-DNA position 266, C replaced by G.
Protein change: p.Ala89Gly; replaces alanine 89 with glycine.
Molecular consequence: missense variant.
Genome position (GRCh38, 1-based): chr17:17,226,306, G>C on the plus strand (C>G on the coding strand, the complement: FLCN is on the minus strand). VCF-style: chr17-17226306-G-C. GRCh37 (hg19) VCF-style: chr17-17129620-G-C.
Other names: c.266C>G, p.Ala89Gly (NM_001353229.2, NM_001353230.2, NM_001353231.2 and 1 more transcripts); short protein forms A89G.
Identifiers: ClinVar variation 2840190 (VCV002840190.4), dbSNP rs2145014358, ClinGen allele CA398534965.